The following is an entry in ClinVar:

ClinVar aggregate classification (germline): Likely benign. Review status: criteria provided, multiple submitters, no conflicts (2 of 4 stars). 5 submissions from 5 submitters: Likely benign (5). Last evaluated 2026-01-01.

Conditions:
Seizures, benign familial infantile, 3 (BFIS3). Also called: Familial neonatal seizures; CONVULSIONS, BENIGN FAMILIAL INFANTILE, 3. Identifiers: Orphanet 140927, Orphanet 306, MedGen C1843140, MONDO:0011904, OMIM 607745.
Developmental and epileptic encephalopathy, 11 (DEE11). Also called: Early infantile epileptic encephalopathy 11. Identifiers: Orphanet 1934, MedGen C3150987, MONDO:0013388, OMIM 613721.

Allele frequency attached by ClinVar (database versions not stated): ExAC 0.00002; gnomAD exomes 0.00002; gnomAD 0.00008 and 0.00009; TOPMed 0.00009; ESP Exome Variant Server 0.00015.

Submissions (5):

CeGaT Center for Human Genetics Tuebingen
Classification: Likely benign. Last evaluated: 2026-01-01. Review status: criteria provided, single submitter. Criteria: CeGaT Center For Human Genetics Tuebingen Variant Classification Criteria Version 2. Collection method: clinical testing. Allele origin: germline. Affected: yes. Observed: 1 variant allele.
Comment: SCN2A: BP4, BP7

Labcorp Genetics (formerly Invitae), Labcorp
Classification: Likely benign for Seizures, benign familial infantile, 3; Developmental and epileptic encephalopathy, 11. Last evaluated: 2025-10-20. Review status: criteria provided, single submitter. Criteria: Invitae Variant Classification Sherloc (09022015). Collection method: clinical testing. Allele origin: germline.

Blueprint Genetics
Classification: Likely benign. Last evaluated: 2024-11-21. Review status: criteria provided, single submitter. Criteria: ACMG Guidelines, 2015. Collection method: clinical testing. Allele origin: germline.

GeneDx
Classification: Likely benign. Last evaluated: 2018-04-24. Review status: criteria provided, single submitter. Criteria: GeneDx Variant Classification (06012015). Collection method: clinical testing. Allele origin: germline. Affected: yes.
Comment: This variant is considered likely benign or benign based on one or more of the following criteria: it is a conservative change, it occurs at a poorly conserved position in the protein, it is predicted to be benign by multiple in silico algorithms, and/or has population frequency not consistent with disease.

Genetic Services Laboratory, University of Chicago
Classification: Likely benign. Last evaluated: 2016-01-05. Review status: criteria provided, single submitter. Criteria: ACMG Guidelines, 2015. Collection method: clinical testing. Allele origin: germline. Affected: no.

NM_001040142.2(SCN2A):c.1306T>C (p.Leu436=)

Gene: SCN2A (sodium voltage-gated channel alpha subunit 2; plus strand). Cytogenetic location: 2q24.3.
Variant type: single nucleotide variant.
Coding change: c.1306T>C on transcript NM_001040142.2 (MANE Select); coding-DNA position 1306, T replaced by C.
Protein change: p.Leu436=; no amino-acid change (leucine 436 retained).
Molecular consequence: synonymous variant.
Genome position (GRCh38, 1-based): chr2:165,314,031, T>C. VCF-style: chr2-165314031-T-C. GRCh37 (hg19) VCF-style: chr2-166170541-T-C.
Other names: c.1306T>C, p.Leu436= (NM_001040143.2, NM_001371246.1, NM_001371247.1 and 1 more transcripts).
Identifiers: ClinVar variation 436654 (VCV000436654.22), dbSNP rs376323449, ClinGen allele CA1939788.